The following is an entry in ClinVar:

ClinVar aggregate classification (germline): Uncertain significance (1 of 4 stars; one submission).

Submission:

Labcorp Genetics (formerly Invitae), Labcorp
Classification: Uncertain significance. Last evaluated: 2022-11-22. Review status: criteria provided, single submitter. Criteria: Invitae Variant Classification Sherloc (09022015). Collection method: clinical testing. Allele origin: germline.
Comment: In summary, the available evidence is currently insufficient to determine the role of this variant in disease. Therefore, it has been classified as a Variant of Uncertain Significance. Advanced modeling of protein sequence and biophysical properties (such as structural, functional, and spatial information, amino acid conservation, physicochemical variation, residue mobility, and thermodynamic stability) performed at Invitae indicates that this missense variant is not expected to disrupt C2CD3 protein function. ClinVar contains an entry for this variant (Variation ID: 1375386). This variant has not been reported in the literature in individuals affected with C2CD3-related conditions. This variant is not present in population databases (gnomAD no frequency). This sequence change replaces glycine, which is neutral and non-polar, with glutamic acid, which is acidic and polar, at codon 1940 of the C2CD3 protein (p.Gly1940Glu).

NM_001286577.2(C2CD3):c.5819G>A (p.Gly1940Glu)

Genes: C2CD3 (C2 domain containing 3 centriole elongation regulator; minus strand), LOC126861262 (CDK7 strongly-dependent group 2 enhancer GRCh37_chr11:73747696-73748895; plus strand). Cytogenetic location: 11q13.4.
Variant type: single nucleotide variant.
Coding change: c.5819G>A on transcript NM_001286577.2 (MANE Select); coding-DNA position 5819, G replaced by A.
Protein change: p.Gly1940Glu; replaces glycine 1940 with glutamic acid.
Molecular consequence: missense variant.
Genome position (GRCh38, 1-based): chr11:74,037,540, C>T on the plus strand (G>A on the coding strand, the complement: C2CD3 is on the minus strand). VCF-style: chr11-74037540-C-T. GRCh37 (hg19) VCF-style: chr11-73748585-C-T.
Other names: c.5819G>A, p.Gly1940Glu (NM_015531.6); short protein forms G1940E.
Identifiers: ClinVar variation 1375386 (VCV001375386.6), dbSNP rs2135416896, ClinGen allele CA381822546.